The following is an entry in ClinVar:

ClinVar aggregate classification (germline): Likely pathogenic (1 of 4 stars; one submission).

Conditions:
Familial cancer of breast. Also called: BREAST CANCER, FAMILIAL; Hereditary breast cancer; hereditary breast carcinoma. Identifiers: Orphanet 227535, MedGen C0346153, MONDO:0016419, OMIM 114480. Disease mechanism: loss of function.

Submission:

Medical Genetics UMG, Mater Domini University Hospital/ Magna Graecia University of Catanzaro
Classification: Likely pathogenic for Familial cancer of breast. Review status: criteria provided, single submitter. Criteria: Clingen Hbop Acmg Specifications Atm V1 1. Collection method: clinical testing. Allele origin: germline. Affected: yes.
Comment: The c.8151+1G>T variant results from a G to T substitution in intron 55 of the ATM gene, affecting a donor splice site. This variant is predicted to alter splicing causing an exon skipping inside the FATKIN region without NMD. However, experiments that demonstrate the loss of function of this variant are not yet available. This variant is absent in gnomAD database.

NM_000051.4(ATM):c.8151+1G>T

Genes: ATM (ATM serine/threonine kinase; plus strand), C11orf65 (chromosome 11 open reading frame 65; minus strand). Cytogenetic location: 11q22.3.
Variant type: single nucleotide variant.
Coding change: c.8151+1G>T on transcript NM_000051.4 (MANE Select); the canonical splice donor site of the intron after coding-DNA position 8151, G replaced by T.
Molecular consequence: splice donor variant. On other transcripts: intron variant (2).
Genome position (GRCh38, 1-based): chr11:108,335,110, G>T. VCF-style: chr11-108335110-G-T. GRCh37 (hg19) VCF-style: chr11-108205837-G-T.
Other names: c.8151+1G>T (NM_001351834.2); c.641-26039C>A (NM_001330368.2); c.*38+110C>A (NM_001351110.2).
Identifiers: ClinVar variation 1801719 (VCV001801719.1), dbSNP rs1591192583, ClinGen allele CA382562275.